The following is an entry in ClinVar:

ClinVar aggregate classification (germline): Uncertain significance (1 of 4 stars; one submission).

Submission:

GeneDx
Classification: Uncertain significance. Last evaluated: 2026-03-15. Review status: criteria provided, single submitter. Criteria: GeneDx Variant Classification Process June 2021. Collection method: clinical testing. Allele origin: germline.
Comment: Not observed at significant frequency in large population cohorts (gnomAD); In silico analysis suggests that this missense variant does not alter protein structure/function; Has not been previously published as pathogenic or benign to our knowledge

NM_016035.5(COQ4):c.766G>C (p.Ala256Pro)

Gene: COQ4 (coenzyme Q4; plus strand). Cytogenetic location: 9q34.11.
Variant type: single nucleotide variant.
Coding change: c.766G>C on transcript NM_016035.5 (MANE Select); coding-DNA position 766, G replaced by C.
Protein change: p.Ala256Pro; replaces alanine 256 with proline.
Molecular consequence: missense variant. On other transcripts: 3 prime UTR variant (1).
Genome position (GRCh38, 1-based): chr9:128,333,613, G>C. VCF-style: chr9-128333613-G-C. GRCh37 (hg19) VCF-style: chr9-131095892-G-C.
Other names: c.*142G>C (NM_001305942.2); short protein forms A256P.
Identifiers: ClinVar variation 5008839 (VCV005008839.1).